The following is an entry in ClinVar:

ClinVar aggregate classification (germline): Pathogenic/Likely pathogenic. Review status: criteria provided, multiple submitters, no conflicts (2 of 4 stars). 6 submissions from 6 submitters: Pathogenic (3); Likely pathogenic (2). 1 of the submissions does not count toward it. Last evaluated 2026-03-11.

Conditions:
Hereditary spastic paraplegia 50 (SPG50). Also called: Spastic paraplegia 50, autosomal recessive. Identifiers: Orphanet 280763, MedGen C2752008, MONDO:0013048, OMIM 612936.
Intellectual disability. Also called: intellectual disabilities; Intellectual developmental disorder; Intellectual functioning disability. Identifiers: MedGen C3714756, MeSH D008607, MONDO:0001071, HP:0001249.
AP4M1-related disorder. Also called: AP4M1-related condition.
Spastic paraplegia. Identifiers: MedGen C0037772, HP:0001258.

Allele frequency attached by ClinVar (database versions not stated): gnomAD exomes below 0.00001; gnomAD 0.00001.
gnomAD v4.1: 7 of 1,613,500 alleles (0.00043%); highest among the groups gnomAD compares: Non-Finnish European, 0.00059%; no homozygotes.

Submissions (6):

PreventionGenetics, part of Exact Sciences
Classification: Pathogenic for AP4M1-related condition. Last evaluated: 2026-03-11. Review status: criteria provided, single submitter. Criteria: ACMG Guidelines, 2015. Collection method: clinical testing. Allele origin: germline.
Comment: The AP4M1 c.1117C>T variant is predicted to result in premature protein termination (p.Gln373*). This variant is expected to result in a truncated protein lacking the last 81 amino acids, disrupting a critical functional domain (Ross et al 2014. PubMed ID: 24498434). This variant has been reported in compound heterozygous state with p.Arg441* in individuals with spastic quadriplegia (Table S7, Jin et al. 2020. PubMed ID: 32989326; Table S2, Ebrahimi-Fakhari et al. 2020. PubMed ID: 32979048). This variant is reported in 0.00089% of alleles in individuals of European (Non-Finnish) descent in gnomAD. Nonsense variants in AP4M1 are expected to be pathogenic. This variant is interpreted as pathogenic.

3billion
Classification: Likely pathogenic for Hereditary spastic paraplegia 50. Last evaluated: 2023-11-27. Review status: criteria provided, single submitter. Criteria: ACMG Guidelines, 2015. Collection method: clinical testing. Allele origin: germline. Affected: yes.
Comment: The variant is observed at an extremely low frequency in the gnomAD v2.1.1 dataset (total allele frequency: <0.001%). Predicted Consequence/Location: Stop-gained (nonsense): predicted to result in a loss or disruption of normal protein function through protein truncation. The predicted truncated protein may be shortened by more than 10%. The variant has been reported at least twice as pathogenic without evidence for the classification (ClinVar ID: VCV000973233). Therefore, this variant is classified as Likely pathogenic according to the recommendation of ACMG/AMP guideline.

GeneDx
Classification: Likely pathogenic. Last evaluated: 2023-06-19. Review status: criteria provided, single submitter. Criteria: GeneDx Variant Classification Process June 2021. Collection method: clinical testing. Allele origin: germline. Affected: yes.
Comment: Nonsense variant predicted to result in protein truncation, as the last 81 amino acids are lost, and other loss-of-function variants have been reported downstream in HGMD.; Not observed at significant frequency in large population cohorts (gnomAD); This variant is associated with the following publications: (PMID: 32989326, 32979048, 32371413)

Diagnostic Laboratory, Strasbourg University Hospital
Classification: Pathogenic for Intellectual disability. Last evaluated: 2020-09-10. Review status: criteria provided, single submitter. Criteria: ACMG Guidelines, 2015. Collection method: clinical testing. Allele origin: unknown. Affected: yes. Observed: 1 compound heterozygote.

Institute for Genomic Medicine (IGM) Clinical Laboratory, Nationwide Children's Hospital
Classification: Pathogenic for Hereditary spastic paraplegia 50. Last evaluated: 2018-09-13. Review status: criteria provided, single submitter. Criteria: ACMG Guidelines, 2015. Collection method: clinical testing. Allele origin: germline. Affected: yes.
Comment: [ACMG/AMP: PVS1, PM2, PM3] This alteration is a null variant in a gene where LOF is a known mechanism of disease [PVS1], is absent from or rarely observed in large-scale population databases [PM2], is detected in trans with a known pathogenic variant [PM3].

Yale Center for Mendelian Genomics, Yale University
Classification: Likely pathogenic for Spastic paraplegia. Last evaluated: 2020-10-01. Review status: no assertion criteria provided. Collection method: literature only. Allele origin: germline. Affected: yes. Observed: 1 compound heterozygote. Study: Yale Center for Mendelian Genomics. Not counted in ClinVar's aggregate classification.

Literature cited by the submitters: PubMed 32979048 (cited by Yale Center for Mendelian Genomics, Yale University).

NM_004722.4(AP4M1):c.1117C>T (p.Gln373Ter)

Gene: AP4M1 (adaptor related protein complex 4 subunit mu 1; plus strand). Cytogenetic location: 7q22.1.
Variant type: single nucleotide variant.
Coding change: c.1117C>T on transcript NM_004722.4 (MANE Select); coding-DNA position 1117, C replaced by T.
Protein change: p.Gln373Ter; replaces glutamine 373 with a stop codon.
Molecular consequence: nonsense.
Genome position (GRCh38, 1-based): chr7:100,106,494, C>T. VCF-style: chr7-100106494-C-T. GRCh37 (hg19) VCF-style: chr7-99704117-C-T.
Other names: c.1138C>T, p.Gln380Ter (NM_001363671.2); short protein forms Q373*, Q380*.
Identifiers: ClinVar variation 973233 (VCV000973233.11), dbSNP rs1562912305, ClinGen allele CA368475680.
Genomic context (GRCh38, chr7:100,106,494, plus strand): 5'-AAGGCTGAGCTGGCAGAGGGAGCCCTTCGCTGGGACCTGCCTCGGGTGCAAGGAGGCTCT[C>T]AACTCTCAGGCCTTTTCCAGGTATTCGCTGTGGACCCCCAGCCCCTCTCCTCCCACATTC-3'